The following is an entry in ClinVar:

NM_001999.4(FBN2):c.2490A>G (p.Pro830=)

Gene: FBN2 (fibrillin 2; minus strand). Cytogenetic location: 5q23.3.
Variant type: single nucleotide variant.
Coding change: c.2490A>G on transcript NM_001999.4 (MANE Select); coding-DNA position 2490, A replaced by G.
Protein change: p.Pro830=; no amino-acid change (proline 830 retained).
Molecular consequence: synonymous variant.
Genome position (GRCh38, 1-based): chr5:128,361,787, T>C on the plus strand (A>G on the coding strand, the complement: FBN2 is on the minus strand). VCF-style: chr5-128361787-T-C. GRCh37 (hg19) VCF-style: chr5-127697480-T-C.
Identifiers: ClinVar variation 3351943 (VCV003351943.1).

ClinVar aggregate classification (germline): Likely benign (0 of 4 stars; one submission).

Conditions:
FBN2-related disorder. Also called: FBN2-related condition.

gnomAD v4.1: 2 of 1,614,160 alleles (0.00012%); highest among the groups gnomAD compares: South Asian, 0.0011%; no homozygotes.

Submission:

PreventionGenetics, part of Exact Sciences
Classification: Likely benign for FBN2-related condition. Last evaluated: 2024-08-28. Review status: no assertion criteria provided. Collection method: clinical testing. Allele origin: germline.
Comment: This variant is classified as likely benign based on ACMG/AMP sequence variant interpretation guidelines (Richards et al. 2015 PMID: 25741868, with internal and published modifications).